The following is an entry in ClinVar:

ClinVar aggregate classification (germline): Conflicting classifications of pathogenicity. Review status: criteria provided, conflicting classifications (1 of 4 stars). 2 submissions from 2 submitters: Likely pathogenic (1); Uncertain significance (1). Last evaluated 2025-06-15.

Conditions:
Dilated cardiomyopathy 1G (CMD1G). Identifiers: Orphanet 154, MedGen C1858763, MONDO:0011400, OMIM 604145.
Autosomal recessive limb-girdle muscular dystrophy type 2J (LGMDR10). Also called: Limb-girdle muscular dystrophy, type 2J; MUSCULAR DYSTROPHY, LIMB-GIRDLE, AUTOSOMAL RECESSIVE 10. Identifiers: Orphanet 140922, MedGen C1837342, MONDO:0012127, OMIM 608807.

Submissions (2):

Labcorp Genetics (formerly Invitae), Labcorp
Classification: Likely pathogenic for Dilated cardiomyopathy 1G; Autosomal recessive limb-girdle muscular dystrophy type 2J. Last evaluated: 2025-06-15. Review status: criteria provided, single submitter. Criteria: Invitae Variant Classification Sherloc (09022015). Collection method: clinical testing. Allele origin: germline.
Comment: While this is not anticipated to result in nonsense mediated decay, it is expected to create a truncated TTN protein. While this is not anticipated to result in nonsense mediated decay, it is expected to disrupt the last 34355 amino acid(s) of the TTN protein. This variant is not present in population databases (gnomAD no frequency). This variant has not been reported in the literature in individuals affected with TTN-related conditions. ClinVar contains an entry for this variant (Variation ID: 288814). This variant is located in the Z band of TTN (PMID: 25589632). Truncating variants in this region have been reported in individuals affected with autosomal recessive centronuclear myopathy (PMID: 33449170, internal data). Truncating variants in this region have also been identified in individuals affected with autosomal dominant dilated cardiomyopathy and/or cardio-related conditions (PMID: 27869827, 32964742, internal data). In summary, the currently available evidence indicates that the variant is pathogenic, but additional data are needed to prove that conclusively. Therefore, this variant has been classified as Likely Pathogenic.

Eurofins Ntd Llc (ga)
Classification: Uncertain significance. Last evaluated: 2016-06-16. Review status: criteria provided, single submitter. Criteria: EGL Classification Definitions 2015. Collection method: clinical testing. Allele origin: germline. Observed: 1 variant allele.

Literature cited by the submitters: PubMed 25589632 (cited by Labcorp Genetics (formerly Invitae), Labcorp); PubMed 33449170 (cited by Labcorp Genetics (formerly Invitae), Labcorp); PubMed 27869827 (cited by Labcorp Genetics (formerly Invitae), Labcorp); PubMed 32964742 (cited by Labcorp Genetics (formerly Invitae), Labcorp).

NM_001267550.2(TTN):c.4910del (p.Gly1637fs)

Genes: TTN (titin; minus strand), LOC101927055 (uncharacterized LOC101927055; plus strand). Cytogenetic location: 2q31.2.
Variant type: Deletion.
Coding change: c.4910del on transcript NM_001267550.2 (MANE Select); coding-DNA position 4910, one base deleted (G; older notation c.4910delG).
Protein change: p.Gly1637fs; shifts the reading frame from glycine 1637.
Molecular consequence: frameshift variant. On other transcripts: non-coding transcript variant (1).
Genome position (GRCh38, 1-based): chr2:178,776,954, C deleted on the plus strand (G on the coding strand, the reverse complement: TTN is on the minus strand); the first of 2 consecutive C bases (chr2:178,776,954-178,776,955); deleting either gives the same sequence. VCF-style (leftmost placement, unchanged base first): chr2-178776953-GC-G. GRCh37 (hg19) VCF-style: chr2-179641680-GC-G.
Other names: c.4910delG (NM_001267550.2); c.4910del, p.Gly1637fs (NM_001256850.1, NM_133378.4, NM_133379.5); c.4772del, p.Gly1591fs (NM_003319.4, NM_133432.3, NM_133437.4); short protein forms G1637fs, G1591fs.
Identifiers: ClinVar variation 288814 (VCV000288814.14), dbSNP rs886044013, ClinGen allele CA10606232.